The following is an entry in ClinVar:

ClinVar aggregate classification (germline): Uncertain significance (1 of 4 stars; one submission).

Conditions:
Hereditary cancer-predisposing syndrome. Also called: Neoplastic Syndromes, Hereditary; Tumor predisposition; Hereditary Cancer Syndrome; Hereditary neoplastic syndrome. Identifiers: Orphanet 140162, MedGen C0027672, MeSH D009386, MONDO:0015356.

Submission:

Ambry Genetics
Classification: Uncertain significance for Hereditary cancer-predisposing syndrome. Last evaluated: 2026-01-08. Review status: criteria provided, single submitter. Criteria: Ambry Variant Classification Scheme 2023. Collection method: clinical testing. Allele origin: germline.
Comment: The c.204T>C variant (also known as p.Y68Y), located in coding exon 2 of the NTHL1 gene, results from a T to C substitution at nucleotide position 204. This nucleotide substitution does not change the amino acid at codon 68. This nucleotide position is not well conserved in available vertebrate species. In silico splice site analysis for this alteration is inconclusive. Based on the available evidence, the clinical significance of this variant remains unclear.

NM_002528.7(NTHL1):c.180T>C (p.Tyr60=)

Gene: NTHL1 (nth like DNA glycosylase 1; minus strand). Cytogenetic location: 16p13.3.
Variant type: single nucleotide variant.
Coding change: c.180T>C on transcript NM_002528.7 (MANE Select); coding-DNA position 180, T replaced by C.
Protein change: p.Tyr60=; no amino-acid change (tyrosine 60 retained).
Molecular consequence: synonymous variant. On other transcripts: missense variant (1), initiator codon variant (1).
Genome position (GRCh38, 1-based): chr16:2,046,302, A>G on the plus strand (T>C on the coding strand, the complement: NTHL1 is on the minus strand). VCF-style: chr16-2046302-A-G. GRCh37 (hg19) VCF-style: chr16-2096303-A-G.
Other names: c.180T>C, p.Tyr60= (NM_001318193.2); c.2T>C, p.Met1Thr (NM_001318194.2); short protein forms M1T.
Identifiers: ClinVar variation 4842854 (VCV004842854.1).